The following is an entry in ClinVar:

NM_000358.3(TGFBI):c.805C>T (p.Leu269Phe)

Gene: TGFBI (transforming growth factor beta induced; plus strand). Cytogenetic location: 5q31.1.
Variant type: single nucleotide variant.
Coding change: c.805C>T on transcript NM_000358.3 (MANE Select); coding-DNA position 805, C replaced by T.
Protein change: p.Leu269Phe; replaces leucine 269 with phenylalanine.
Molecular consequence: missense variant.
Genome position (GRCh38, 1-based): chr5:136,049,472, C>T. VCF-style: chr5-136049472-C-T. GRCh37 (hg19) VCF-style: chr5-135385161-C-T.
Other names: short protein forms L269F.
Identifiers: ClinVar variation 750482 (VCV000750482.16), dbSNP rs199852470, ClinGen allele CA3420162.

ClinVar aggregate classification (germline): Benign/Likely benign. Review status: criteria provided, multiple submitters, no conflicts (2 of 4 stars). 5 submissions from 5 submitters: Benign (1); Likely benign (3). 1 of the submissions does not count toward it. Last evaluated 2024-11-26.

Conditions:
TGFBI-related disorder. Also called: TGFBI-related condition.
Corneal dystrophy. Identifiers: Orphanet 34533, MedGen C0010036, MONDO:0018102, HP:0001131.

Allele frequency attached by ClinVar (database versions not stated): ESP Exome Variant Server 0.00040; TOPMed 0.00054; gnomAD 0.00058 and 0.00080; gnomAD exomes 0.00097; 1000 Genomes Project 30x 0.00219; 1000 Genomes Project 0.00240.
gnomAD v4.1: 1,540 of 1,614,000 alleles (0.095%); highest among the groups gnomAD compares: South Asian, 0.97%; 19 homozygotes.

Submissions (5):

Blueprint Genetics
Classification: Likely benign. Last evaluated: 2024-11-26. Review status: criteria provided, single submitter. Criteria: ACMG Guidelines, 2015. Collection method: clinical testing. Allele origin: germline.

Labcorp Genetics (formerly Invitae), Labcorp
Classification: Benign. Last evaluated: 2024-06-09. Review status: criteria provided, single submitter. Criteria: Invitae Variant Classification Sherloc (09022015). Collection method: clinical testing. Allele origin: germline.

Illumina Laboratory Services, Illumina
Classification: Likely benign for Corneal dystrophy. Last evaluated: 2018-01-13. Review status: criteria provided, single submitter. Criteria: ICSL Variant Classification Criteria 13 December 2019. Collection method: clinical testing. Allele origin: germline.
Comment: This variant was observed in the ICSL laboratory as part of a predisposition screen in an ostensibly healthy population. It had not been previously curated by ICSL or reported in the Human Gene Mutation Database (HGMD: prior to June 1st, 2018), and was therefore a candidate for classification through an automated scoring system. Utilizing variant allele frequency, disease prevalence and penetrance estimates, and inheritance mode, an automated score was calculated to assess if this variant is too frequent to cause the disease. Based on the score and internal cut-off values, a variant classified as likely benign is not then subjected to further curation. The score for this variant resulted in a classification of likely benign for this disease.

Breakthrough Genomics
Classification: Likely benign. Review status: criteria provided, single submitter. Criteria: ACMG Guidelines, 2015. Collection method: not provided. Allele origin: germline. Inheritance: Autosomal dominant inheritance. Affected: yes.

PreventionGenetics, part of Exact Sciences
Classification: Likely benign for TGFBI-related condition. Last evaluated: 2023-12-01. Review status: no assertion criteria provided. Collection method: clinical testing. Allele origin: germline. Not counted in ClinVar's aggregate classification.
Comment: This variant is classified as likely benign based on ACMG/AMP sequence variant interpretation guidelines (Richards et al. 2015 PMID: 25741868, with internal and published modifications).